The following is an entry in ClinVar:

NM_005560.6(LAMA5):c.5036G>A (p.Arg1679Gln)

Gene: LAMA5 (laminin subunit alpha 5; minus strand). Cytogenetic location: 20q13.33.
Variant type: single nucleotide variant.
Coding change: c.5036G>A on transcript NM_005560.6 (MANE Select); coding-DNA position 5036, G replaced by A.
Protein change: p.Arg1679Gln; replaces arginine 1679 with glutamine.
Molecular consequence: missense variant.
Genome position (GRCh38, 1-based): chr20:62,327,309, C>T on the plus strand (G>A on the coding strand, the complement: LAMA5 is on the minus strand). VCF-style: chr20-62327309-C-T. GRCh37 (hg19) VCF-style: chr20-60902365-C-T.
Other names: short protein forms R1679Q.
Identifiers: ClinVar variation 2885970 (VCV002885970.2), dbSNP rs139647438, ClinGen allele CA9942367.

ClinVar aggregate classification (germline): Uncertain significance (1 of 4 stars; one submission).

Allele frequency attached by ClinVar (database versions not stated): gnomAD exomes 0.00003; ExAC 0.00006; ESP Exome Variant Server 0.00008; TOPMed 0.00010; gnomAD 0.00011.
gnomAD v4.1: 64 of 1,594,690 alleles (0.004%); highest among the groups gnomAD compares: African/African-American, 0.036%; no homozygotes.

Submission:

Labcorp Genetics (formerly Invitae), Labcorp
Classification: Uncertain significance. Last evaluated: 2022-12-18. Review status: criteria provided, single submitter. Criteria: Invitae Variant Classification Sherloc (09022015). Collection method: clinical testing. Allele origin: germline.
Comment: In summary, the available evidence is currently insufficient to determine the role of this variant in disease. Therefore, it has been classified as a Variant of Uncertain Significance. Algorithms developed to predict the effect of missense changes on protein structure and function output the following: SIFT: "Tolerated"; PolyPhen-2: "Benign"; Align-GVGD: "Class C0". The glutamine amino acid residue is found in multiple mammalian species, which suggests that this missense change does not adversely affect protein function. This variant has not been reported in the literature in individuals affected with LAMA5-related conditions. This variant is present in population databases (rs139647438, gnomAD 0.05%). This sequence change replaces arginine, which is basic and polar, with glutamine, which is neutral and polar, at codon 1679 of the LAMA5 protein (p.Arg1679Gln).